The following is an entry in ClinVar:

ClinVar aggregate classification (germline): Conflicting classifications of pathogenicity. Review status: criteria provided, conflicting classifications (1 of 4 stars). 3 submissions from 3 submitters: Uncertain significance (2); Likely benign (1). Last evaluated 2025-09-23.

Conditions:
Familial adenomatous polyposis 2. Also called: Adenomas, multiple colorectal; MUTYH Polyposis; COLORECTAL ADENOMATOUS POLYPOSIS, AUTOSOMAL RECESSIVE; ADENOMAS, MULTIPLE COLORECTAL, AUTOSOMAL RECESSIVE; MUTYH-associated polyposis; MUTYH-related attenuated familial adenomatous polyposis. Identifiers: Orphanet 220460, Orphanet 247798, MedGen C3272841, MONDO:0012041, OMIM 608456.
Hereditary cancer-predisposing syndrome. Also called: Neoplastic Syndromes, Hereditary; Tumor predisposition; Hereditary Cancer Syndrome; Hereditary neoplastic syndrome. Identifiers: Orphanet 140162, MedGen C0027672, MeSH D009386, MONDO:0015356.

gnomAD v4.1: 1 of 1,609,776 alleles (0.000062%); highest among the groups gnomAD compares: East Asian, 0.0022%; no homozygotes.

Submissions (3):

Labcorp Genetics (formerly Invitae), Labcorp
Classification: Uncertain significance for Familial adenomatous polyposis 2. Last evaluated: 2025-09-23. Review status: criteria provided, single submitter. Criteria: Invitae Variant Classification Sherloc (09022015). Collection method: clinical testing. Allele origin: germline.
Comment: This sequence change replaces glycine, which is neutral and non-polar, with valine, which is neutral and non-polar, at codon 503 of the MUTYH protein (p.Gly503Val). This variant is not present in population databases (gnomAD no frequency). This variant has not been reported in the literature in individuals affected with MUTYH-related conditions. ClinVar contains an entry for this variant (Variation ID: 947172). An algorithm developed to predict the effect of missense changes on protein structure and function (PolyPhen-2) suggests that this variant is likely to be disruptive. In summary, the available evidence is currently insufficient to determine the role of this variant in disease. Therefore, it has been classified as a Variant of Uncertain Significance.

Ambry Genetics
Classification: Likely benign for Hereditary cancer-predisposing syndrome. Last evaluated: 2025-09-09. Review status: criteria provided, single submitter. Criteria: Ambry Variant Classification Scheme 2023. Collection method: clinical testing. Allele origin: germline.

Sema4
Classification: Uncertain significance for Hereditary cancer-predisposing syndrome. Last evaluated: 2021-11-17. Review status: criteria provided, single submitter. Criteria: Sema4 Curation Guidelines. Collection method: curation. Allele origin: germline.
Comment: The MUTYH c.1508G>T (p.G503V) variant has not been reported in the literature to our knowledge. It was not observed in the large and broad cohorts of the Genome Aggregation Database (PMID: 32461654). This variant has been reported in ClinVar (Variation ID: 947172). Functional studies have not been performed, and in silico predictions of the variant's effect on protein function are inconclusive. The evidence is insufficient to meet ACMG/AMP criteria for classifying the variant as benign or pathogenic. Thus, the clinical significance of this variant is currently uncertain.

NM_001048174.2(MUTYH):c.1424G>T (p.Gly475Val)

Gene: MUTYH (mutY DNA glycosylase; minus strand). Cytogenetic location: 1p34.1.
Variant type: single nucleotide variant.
Coding change: c.1424G>T on transcript NM_001048174.2 (MANE Select); coding-DNA position 1424, G replaced by T.
Protein change: p.Gly475Val; replaces glycine 475 with valine.
Molecular consequence: missense variant. On other transcripts: non-coding transcript variant (2).
Genome position (GRCh38, 1-based): chr1:45,330,526, C>A on the plus strand (G>T on the coding strand, the complement: MUTYH is on the minus strand). VCF-style: chr1-45330526-C-A. GRCh37 (hg19) VCF-style: chr1-45796198-C-A.
Other names: c.1424G>T, p.Gly475Val (NM_001048171.2, NM_001048173.2, NM_001293195.2); c.1427G>T, p.Gly476Val (NM_001048172.2); c.1508G>T, p.Gly503Val (NM_001128425.2); c.1469G>T, p.Gly490Val (NM_001293190.2); c.1457G>T, p.Gly486Val (NM_001293191.2); c.1148G>T, p.Gly383Val (NM_001293192.2, NM_001293196.2); c.1079G>T, p.Gly360Val (NM_001350650.2, NM_001350651.2); c.1499G>T, p.Gly500Val (NM_012222.3); short protein forms G383V, G360V, G486V, G503V, G490V, G475V, G476V, G500V.
Identifiers: ClinVar variation 947172 (VCV000947172.13), dbSNP rs3219494, ClinGen allele CA340132322.